The following is an entry in ClinVar:

ClinVar aggregate classification (germline): Pathogenic (0 of 4 stars; one submission).

Conditions:
Fanconi anemia complementation group A (FANCA). Also called: Fanconi anemia, group A; FANCA-Related Fanconi Anemia. Identifiers: Orphanet 84, MedGen C3469521, MONDO:0009215, OMIM 227650.

gnomAD v4.1: 1 of 1,614,172 alleles (0.000062%); highest among the groups gnomAD compares: Non-Finnish European, 0.000085%; no homozygotes.

Submission:

Leiden Open Variation Database
Classification: Pathogenic for Fanconi anemia complementation group A. Last evaluated: 2020-02-28. Review status: no assertion criteria provided. Collection method: curation. Allele origin: germline. Affected: yes.
Comment: Curator: Arleen D. Auerbach. Submitter to LOVD: Arleen D. Auerbach.

NM_000135.4(FANCA):c.4069G>C (p.Ala1357Pro)

Genes: FANCA (FA complementation group A; minus strand), ZNF276 (zinc finger protein 276; plus strand). Cytogenetic location: 16q24.3.
Variant type: single nucleotide variant.
Coding change: c.4069G>C on transcript NM_000135.4 (MANE Select); coding-DNA position 4069, G replaced by C.
Protein change: p.Ala1357Pro; replaces alanine 1357 with proline.
Molecular consequence: missense variant. On other transcripts: 3 prime UTR variant (2), non-coding transcript variant (4).
Genome position (GRCh38, 1-based): chr16:89,739,231, C>G on the plus strand (G>C on the coding strand, the complement: FANCA is on the minus strand). VCF-style: chr16-89739231-C-G. GRCh37 (hg19) VCF-style: chr16-89805639-C-G.
Other names: c.4069G>C, p.Ala1357Pro (NM_001286167.3); c.*985C>G (NM_001113525.2, NM_152287.4); short protein forms A1357P.
Identifiers: ClinVar variation 974068 (VCV000974068.1), dbSNP rs1456500627, ClinGen allele CA397484536.